The following is an entry in ClinVar:

ClinVar aggregate classification (germline): Likely benign (1 of 4 stars; one submission).

Allele frequency attached by ClinVar (database versions not stated): ESP Exome Variant Server 0.00015; TOPMed 0.00019; gnomAD 0.00040; gnomAD exomes 0.00055; 1000 Genomes Project 0.00140; 1000 Genomes Project 30x 0.00156; ExAC 0.00167.

Submission:

CeGaT Center for Human Genetics Tuebingen
Classification: Likely benign. Last evaluated: 2023-03-01. Review status: criteria provided, single submitter. Criteria: CeGaT Center For Human Genetics Tuebingen Variant Classification Criteria Version 2. Collection method: clinical testing. Allele origin: germline. Affected: yes. Observed: 1 variant allele.
Comment: MTG1: BP4, BP7, BS2

NM_138384.4(MTG1):c.801C>T (p.Arg267=)

Gene: MTG1 (mitochondrial ribosome associated GTPase 1; plus strand). Cytogenetic location: 10q26.3.
Variant type: single nucleotide variant.
Coding change: c.801C>T on transcript NM_138384.4 (MANE Select); coding-DNA position 801, C replaced by T.
Protein change: p.Arg267=; no amino-acid change (arginine 267 retained).
Molecular consequence: synonymous variant.
Genome position (GRCh38, 1-based): chr10:133,419,528, C>T. VCF-style: chr10-133419528-C-T. GRCh37 (hg19) VCF-style: chr10-135233032-C-T.
Identifiers: ClinVar variation 2641032 (VCV002641032.24), dbSNP rs140544603, ClinGen allele CA5766895.